The following is an entry in ClinVar:

NC_000009.12:g.106860520T>G

Gene: ZNF462 (zinc finger protein 462; plus strand). Cytogenetic location: 9q31.2.
Variant type: single nucleotide variant.
Genome position: GRCh38 VCF-style: chr9-106860520-T-G. GRCh37 (hg19) VCF-style: chr9-109622801-T-G.
Identifiers: ClinVar variation 1701575 (VCV001701575.31), dbSNP rs35277765, ClinGen allele CA197458624.
Genomic context (GRCh38, chr9:106,860,520, plus strand): 5'-TTTCTCCCTCCCCACCGCCTGGTTCCCTACGTCCCTGCCCCCAGGGAAGGACGGCCCCCA[T>G]CTTAGGACTTACGACCCAAGCCAACCCAGAAGGTACCTTCACGTCGATGAAGATTTTATC-3'

ClinVar aggregate classification (germline): Benign (1 of 4 stars; one submission).

Allele frequency attached by ClinVar (database versions not stated): 1000 Genomes Project 30x 0.00203; 1000 Genomes Project 0.00240; gnomAD 0.00497 and 0.00517; TOPMed 0.00508.
gnomAD v4.1: 752 of 152,008 alleles (0.49%); highest among the groups gnomAD compares: Non-Finnish European, 0.85%; 3 homozygotes.

Submission:

CeGaT Center for Human Genetics Tuebingen
Classification: Benign. Last evaluated: 2023-06-01. Review status: criteria provided, single submitter. Criteria: CeGaT Center For Human Genetics Tuebingen Variant Classification Criteria Version 2. Collection method: clinical testing. Allele origin: germline. Affected: yes. Observed: 13 variant alleles.
Comment: ZNF462: BS1, BS2